The following is an entry in ClinVar:

NM_001970.5(EIF5A):c.316G>A (p.Gly106Arg)

Gene: EIF5A (eukaryotic translation initiation factor 5A; plus strand). Cytogenetic location: 17p13.1.
Variant type: single nucleotide variant.
Coding change: c.316G>A on transcript NM_001970.5 (MANE Select); coding-DNA position 316, G replaced by A.
Protein change: p.Gly106Arg; replaces glycine 106 with arginine.
Molecular consequence: missense variant.
Genome position (GRCh38, 1-based): chr17:7,311,395, G>A. VCF-style: chr17-7311395-G-A. GRCh37 (hg19) VCF-style: chr17-7214714-G-A.
Other names: c.406G>A, p.Gly136Arg (NM_001143760.1); c.316G>A, p.Gly106Arg (NM_001143761.1, NM_001143762.2, NM_001370420.1 and 1 more transcripts); short protein forms G106R, G136R.
Identifiers: ClinVar variation 3369240 (VCV003369240.2).

ClinVar aggregate classification (germline): Pathogenic (1 of 4 stars; one submission).

Conditions:
Faundes-Banka syndrome. Identifiers: MedGen C5543554, MONDO:0859163, OMIM 619376.

Submission:

GeneDx
Classification: Pathogenic. Last evaluated: 2024-04-24. Review status: criteria provided, single submitter. Criteria: GeneDx Variant Classification Process June 2021. Collection method: clinical testing. Allele origin: germline. Affected: yes.
Comment: Published functional studies suggest a damaging effect with this variant resulting in partial loss of eIF5A protein binding (PMID: 33547280); Not observed at significant frequency in large population cohorts (gnomAD); In silico analysis supports that this missense variant has a deleterious effect on protein structure/function; This variant is associated with the following publications: (PMID: 35982159, 33547280, 33057194, 31785789)